The following is an entry in ClinVar:

NM_001318734.2(KLC2):c.1513C>T (p.Arg505Cys)

Gene: KLC2 (kinesin light chain 2; plus strand). Cytogenetic location: 11q13.2.
Variant type: single nucleotide variant.
Coding change: c.1513C>T on transcript NM_001318734.2 (MANE Select); coding-DNA position 1513, C replaced by T.
Protein change: p.Arg505Cys; replaces arginine 505 with cysteine.
Molecular consequence: missense variant.
Genome position (GRCh38, 1-based): chr11:66,265,923, C>T. VCF-style: chr11-66265923-C-T. GRCh37 (hg19) VCF-style: chr11-66033394-C-T.
Other names: c.1282C>T (NM_001134774.1); c.1282C>T, p.Arg428Cys (NM_001134774.2); c.1513C>T, p.Arg505Cys (NM_001134775.2, NM_001134776.2, NM_022822.3); short protein forms R428C, R505C.
Identifiers: ClinVar variation 1669055 (VCV001669055.39), dbSNP rs199498417, ClinGen allele CA6117472.

ClinVar aggregate classification (germline): Likely benign. Review status: criteria provided, multiple submitters, no conflicts (2 of 4 stars). 3 submissions from 3 submitters: Likely benign (2). 1 of the submissions does not count toward it. Last evaluated 2025-12-10.

Conditions:
KLC2-related disorder. Also called: KLC2-related condition.

Allele frequency attached by ClinVar (database versions not stated): 1000 Genomes Project 0.00060; 1000 Genomes Project 30x 0.00078; gnomAD exomes 0.00090 and 0.00117; ExAC 0.00096; TOPMed 0.00096; gnomAD 0.00103 and 0.00104.
gnomAD v4.1: 1,843 of 1,585,144 alleles (0.12%); highest among the groups gnomAD compares: Non-Finnish European, 0.14%; 2 homozygotes.

Submissions (3):

Labcorp Genetics (formerly Invitae), Labcorp
Classification: Likely benign. Last evaluated: 2025-12-10. Review status: criteria provided, single submitter. Criteria: Invitae Variant Classification Sherloc (09022015). Collection method: clinical testing. Allele origin: germline.

CeGaT Center for Human Genetics Tuebingen
Classification: Likely benign. Last evaluated: 2022-07-01. Review status: criteria provided, single submitter. Criteria: CeGaT Center For Human Genetics Tuebingen Variant Classification Criteria Version 2. Collection method: clinical testing. Allele origin: germline. Affected: yes. Observed: 2 variant alleles.
Comment: KLC2: PP3, BS2

PreventionGenetics, part of Exact Sciences
Classification: Likely benign for KLC2-related condition. Last evaluated: 2024-06-04. Review status: no assertion criteria provided. Collection method: clinical testing. Allele origin: germline. Not counted in ClinVar's aggregate classification.
Comment: This variant is classified as likely benign based on ACMG/AMP sequence variant interpretation guidelines (Richards et al. 2015 PMID: 25741868, with internal and published modifications).